The following is an entry in ClinVar:

ClinVar aggregate classification (germline): Uncertain significance (1 of 4 stars; one submission).

Conditions:
Cardiomyopathy (CMYO). Also called: Cardiomyopathies. Identifiers: Orphanet 167848, MedGen C0878544, MONDO:0004994, HP:0001638. Inheritance: Various modes of inheritance.

Submission:

Color Diagnostics, LLC DBA Color Health
Classification: Uncertain significance for Cardiomyopathy. Last evaluated: 2024-12-16. Review status: criteria provided, single submitter. Criteria: ACMG Guidelines, 2015. Collection method: clinical testing. Allele origin: germline.
Comment: This missense variant replaces arginine with serine at codon 1173 of the DSP protein. Computational prediction is inconclusive regarding the impact of this variant on protein structure and function (internally defined REVEL score threshold 0.5 < inconclusive < 0.7, PMID: 27666373). To our knowledge, functional studies have not been reported for this variant. This variant has not been reported in individuals affected with DSP-related disorders in the literature. This variant has not been identified in the general population by the Genome Aggregation Database (gnomAD). The available evidence is insufficient to determine the role of this variant in disease conclusively. Therefore, this variant is classified as a Variant of Uncertain Significance.

NM_004415.4(DSP):c.3519G>C (p.Arg1173Ser)

Gene: DSP (desmoplakin; plus strand). Cytogenetic location: 6p24.3.
Variant type: single nucleotide variant.
Coding change: c.3519G>C on transcript NM_004415.4 (MANE Select); coding-DNA position 3519, G replaced by C.
Protein change: p.Arg1173Ser; replaces arginine 1173 with serine.
Molecular consequence: missense variant.
Genome position (GRCh38, 1-based): chr6:7,579,709, G>C. VCF-style: chr6-7579709-G-C. GRCh37 (hg19) VCF-style: chr6-7579942-G-C.
Other names: c.3519G>C, p.Arg1173Ser (NM_001008844.3, NM_001319034.2); short protein forms R1173S.
Identifiers: ClinVar variation 3893913 (VCV003893913.1).